The following is an entry in ClinVar:

ClinVar aggregate classification (germline): Conflicting classifications of pathogenicity. Review status: criteria provided, conflicting classifications (1 of 4 stars). 2 submissions from 2 submitters: Uncertain significance (1); Likely benign (1). Last evaluated 2025-02-21.

Conditions:
RYR3-related disorder. Also called: RYR3-related condition.
Epileptic encephalopathy. Identifiers: MedGen C0543888, HP:0200134.

Allele frequency attached by ClinVar (database versions not stated): TOPMed 0.00014; gnomAD 0.00019; gnomAD exomes 0.00024 and 0.00037; ESP Exome Variant Server 0.00048; ExAC 0.00070.
gnomAD v4.1: 380 of 1,612,482 alleles (0.024%); highest among the groups gnomAD compares: Non-Finnish European, 0.031%; 1 homozygote.

Submissions (2):

PreventionGenetics, part of Exact Sciences
Classification: Likely benign for RYR3-related condition. Last evaluated: 2025-02-21. Review status: criteria provided, single submitter. Criteria: ACMG Guidelines, 2015. Collection method: clinical testing. Allele origin: germline.
Comment: This variant is classified as likely benign based on ACMG/AMP sequence variant interpretation guidelines (Richards et al. 2015 PMID: 25741868, with internal and published modifications).

Labcorp Genetics (formerly Invitae), Labcorp
Classification: Uncertain significance for Epileptic encephalopathy. Last evaluated: 2024-02-17. Review status: criteria provided, single submitter. Criteria: Invitae Variant Classification Sherloc (09022015). Collection method: clinical testing. Allele origin: germline.
Comment: This sequence change falls in intron 87 of the RYR3 gene. It does not directly change the encoded amino acid sequence of the RYR3 protein. It affects a nucleotide within the consensus splice site. This variant is present in population databases (rs370757624, gnomAD 0.07%), and has an allele count higher than expected for a pathogenic variant. This variant has not been reported in the literature in individuals affected with RYR3-related conditions. ClinVar contains an entry for this variant (Variation ID: 862159). Variants that disrupt the consensus splice site are a relatively common cause of aberrant splicing (PMID: 17576681, 9536098). Algorithms developed to predict the effect of sequence changes on RNA splicing suggest that this variant is not likely to affect RNA splicing. In summary, the available evidence is currently insufficient to determine the role of this variant in disease. Therefore, it has been classified as a Variant of Uncertain Significance.

Literature cited by the submitters: PubMed 17576681 (cited by Labcorp Genetics (formerly Invitae), Labcorp); PubMed 9536098 (cited by Labcorp Genetics (formerly Invitae), Labcorp).

NM_001036.6(RYR3):c.11569-3T>C

Gene: RYR3 (ryanodine receptor 3; plus strand). Cytogenetic location: 15q14.
Variant type: single nucleotide variant.
Coding change: c.11569-3T>C on transcript NM_001036.6 (MANE Select); 3 bases into the intron before coding-DNA position 11569, T replaced by C.
Molecular consequence: intron variant.
Genome position (GRCh38, 1-based): chr15:33,836,903, T>C. VCF-style: chr15-33836903-T-C. GRCh37 (hg19) VCF-style: chr15-34129104-T-C.
Other names: c.11554-3T>C (NM_001243996.4).
Identifiers: ClinVar variation 862159 (VCV000862159.10), dbSNP rs370757624, ClinGen allele CA7461273.